The following is an entry in ClinVar:

NM_016239.4(MYO15A):c.7688C>T (p.Thr2563Met)

Gene: MYO15A (myosin XVA; plus strand). Cytogenetic location: 17p11.2.
Variant type: single nucleotide variant.
Coding change: c.7688C>T on transcript NM_016239.4 (MANE Select); coding-DNA position 7688, C replaced by T.
Protein change: p.Thr2563Met; replaces threonine 2563 with methionine.
Molecular consequence: missense variant.
Genome position (GRCh38, 1-based): chr17:18,151,428, C>T. VCF-style: chr17-18151428-C-T. GRCh37 (hg19) VCF-style: chr17-18054742-C-T.
Other names: short protein forms T2563M.
Identifiers: ClinVar variation 2281621 (VCV002281621.4), dbSNP rs751783637, ClinGen allele CA8424919.
Genomic context (GRCh38, chr17:18,151,428, plus strand): 5'-TGTTCCCACCGCGCCCCTTGCCCACAGCTTCACCCTCCCCAGAGCTGGTCCGGTACTCTA[C>T]GCTCAACTCTGAGCACTTCCCACAGCCCACACAGCAGATCAAGAATATTGTCAGGCAGTA-3'
Protein context (NP_057323.3, residues 2553-2573): SPSPELVRYS[Thr2563Met]LNSEHFPQPT

ClinVar aggregate classification (germline): Uncertain significance. Review status: criteria provided, multiple submitters, no conflicts (2 of 4 stars). 2 submissions from 2 submitters: Uncertain significance (2). Last evaluated 2024-11-26.

Conditions:
Inborn genetic diseases. Identifiers: MedGen C0950123, MeSH D030342.

Allele frequency attached by ClinVar (database versions not stated): gnomAD 0.00001; gnomAD exomes 0.00001; ExAC 0.00002; TOPMed 0.00002.
gnomAD v4.1: 12 of 1,614,100 alleles (0.00074%); highest among the groups gnomAD compares: East Asian, 0.0045%; no homozygotes.

Submissions (2):

Women's Health and Genetics/Laboratory Corporation of America, LabCorp
Classification: Uncertain significance. Last evaluated: 2024-11-26. Review status: criteria provided, single submitter. Criteria: LabCorp Variant Classification Summary - May 2015. Collection method: clinical testing. Allele origin: germline.
Comment: Variant summary: MYO15A c.7688C>T (p.Thr2563Met) results in a non-conservative amino acid change in the encoded protein sequence. Three of five in-silico tools predict a benign effect of the variant on protein function. The variant allele was found at a frequency of 1.2e-05 in 249532 control chromosomes (gnomAD). The available data on variant occurrences in the general population are insufficient to allow any conclusion about variant significance. c.7688C>T has been reported in the literature in individuals affected with Autosomal Recessive Nonsyndromic Hearing Loss 3 (Na_2021). These data do not allow any conclusion about variant significance. To our knowledge, no experimental evidence demonstrating an impact on protein function has been reported. The following publications have been ascertained in the context of this evaluation (PMID: 33784549, 34519870). ClinVar contains an entry for this variant (Variation ID: 2281621). Based on the evidence outlined above, the variant was classified as uncertain significance.

Ambry Genetics
Classification: Uncertain significance for Inborn genetic diseases. Last evaluated: 2022-04-07. Review status: criteria provided, single submitter. Criteria: Ambry Variant Classification Scheme 2023. Collection method: clinical testing. Allele origin: germline.

Literature cited by the submitters: PubMed 34519870 (cited by Women's Health and Genetics/Laboratory Corporation of America, LabCorp); PubMed 33784549 (cited by Women's Health and Genetics/Laboratory Corporation of America, LabCorp).